The following is an entry in ClinVar:

ClinVar aggregate classification (germline): Likely benign (1 of 4 stars; one submission).

Conditions:
EPHX1-related disorder. Also called: EPHX1-related condition.

gnomAD v4.1: 1,051 of 1,614,192 alleles (0.065%); highest among the groups gnomAD compares: East Asian, 1.9%; 13 homozygotes.

Submission:

PreventionGenetics, part of Exact Sciences
Classification: Likely benign for EPHX1-related condition. Last evaluated: 2025-12-23. Review status: criteria provided, single submitter. Criteria: ACMG Guidelines, 2015. Collection method: clinical testing. Allele origin: germline.
Comment: This variant is classified as likely benign based on ACMG/AMP sequence variant interpretation guidelines (Richards et al. 2015 PMID: 25741868, with internal and published modifications).

NM_001136018.4(EPHX1):c.231G>A (p.Glu77=)

Gene: EPHX1 (epoxide hydrolase 1; plus strand). Cytogenetic location: 1q42.12.
Variant type: single nucleotide variant.
Coding change: c.231G>A on transcript NM_001136018.4 (MANE Select); coding-DNA position 231, G replaced by A.
Protein change: p.Glu77=; no amino-acid change (glutamic acid 77 retained).
Molecular consequence: synonymous variant. On other transcripts: non-coding transcript variant (4).
Genome position (GRCh38, 1-based): chr1:225,831,826, G>A. VCF-style: chr1-225831826-G-A. GRCh37 (hg19) VCF-style: chr1-226019527-G-A.
Other names: c.231G>A, p.Glu77= (NM_000120.4, NM_001291163.2, NM_001378426.1 and 5 more transcripts); c.204G>A, p.Glu68= (NM_001378428.1).
Identifiers: ClinVar variation 4980385 (VCV004980385.1).